The following is an entry in ClinVar:

ClinVar aggregate classification (germline): Likely benign. Review status: criteria provided, multiple submitters, no conflicts (2 of 4 stars). 3 submissions from 3 submitters: Likely benign (2). 1 of the submissions does not count toward it. Last evaluated 2026-07-01.

Conditions:
NTN1-related disorder. Also called: NTN1-related condition.

Allele frequency attached by ClinVar (database versions not stated): ESP Exome Variant Server 0.00023; 1000 Genomes Project 30x 0.00078; TOPMed 0.00081; gnomAD 0.00098; 1000 Genomes Project 0.00100; ExAC 0.00158; gnomAD exomes 0.00244.
gnomAD v4.1: 1,536 of 699,128 alleles (0.22%); highest among the groups gnomAD compares: Middle Eastern, 0.86%; 8 homozygotes.

Submissions (3):

CeGaT Center for Human Genetics Tuebingen
Classification: Likely benign. Last evaluated: 2026-07-01. Review status: criteria provided, single submitter. Criteria: CeGaT Center For Human Genetics Tuebingen Variant Classification Criteria Version 2. Collection method: clinical testing. Allele origin: germline. Affected: yes. Observed: 2 variant alleles.
Comment: NTN1: BP4, BP7, BS2

Blueprint Genetics
Classification: Likely benign. Last evaluated: 2024-11-08. Review status: criteria provided, single submitter. Criteria: ACMG Guidelines, 2015. Collection method: clinical testing. Allele origin: germline.

PreventionGenetics, part of Exact Sciences
Classification: Likely benign for NTN1-related condition. Last evaluated: 2019-05-09. Review status: no assertion criteria provided. Collection method: clinical testing. Allele origin: germline. Not counted in ClinVar's aggregate classification.
Comment: This variant is classified as likely benign based on ACMG/AMP sequence variant interpretation guidelines (Richards et al. 2015 PMID: 25741868, with internal and published modifications).

NM_004822.3(NTN1):c.1809G>A (p.Lys603=)

Gene: NTN1 (netrin 1; plus strand). Cytogenetic location: 17p13.1.
Variant type: single nucleotide variant.
Coding change: c.1809G>A on transcript NM_004822.3 (MANE Select); coding-DNA position 1809, G replaced by A.
Protein change: p.Lys603=; no amino-acid change (lysine 603 retained).
Molecular consequence: synonymous variant.
Genome position (GRCh38, 1-based): chr17:9,239,962, G>A. VCF-style: chr17-9239962-G-A. GRCh37 (hg19) VCF-style: chr17-9143279-G-A.
Identifiers: ClinVar variation 3041848 (VCV003041848.7), dbSNP rs371521051, ClinGen allele CA8381401.